The following is an entry in ClinVar:

NM_000143.4(FH):c.404A>C (p.His135Pro)

Gene: FH (fumarate hydratase; minus strand). Cytogenetic location: 1q43.
Variant type: single nucleotide variant.
Coding change: c.404A>C on transcript NM_000143.4 (MANE Select); coding-DNA position 404, A replaced by C.
Protein change: p.His135Pro; replaces histidine 135 with proline.
Molecular consequence: missense variant.
Genome position (GRCh38, 1-based): chr1:241,512,118, T>G on the plus strand (A>C on the coding strand, the complement: FH is on the minus strand). VCF-style: chr1-241512118-T-G. GRCh37 (hg19) VCF-style: chr1-241675418-T-G.
Other names: short protein forms H135P.
Identifiers: ClinVar variation 460354 (VCV000460354.10), dbSNP rs786202833, ClinGen allele CA345440176.

ClinVar aggregate classification (germline): Uncertain significance. Review status: criteria provided, multiple submitters, no conflicts (2 of 4 stars). 2 submissions from 2 submitters: Uncertain significance (2). Last evaluated 2026-05-04.

Conditions:
Hereditary cancer-predisposing syndrome. Also called: Hereditary Cancer Syndrome; Tumor predisposition; Hereditary neoplastic syndrome; Neoplastic Syndromes, Hereditary. Identifiers: Orphanet 140162, MedGen C0027672, MeSH D009386, MONDO:0015356.

Submissions (2):

Ambry Genetics
Classification: Uncertain significance for Hereditary cancer-predisposing syndrome. Last evaluated: 2026-05-04. Review status: criteria provided, single submitter. Criteria: Ambry Variant Classification Scheme 2023. Collection method: clinical testing. Allele origin: germline.
Comment: The p.H135P variant (also known as c.404A>C), located in coding exon 4 of the FH gene, results from an A to C substitution at nucleotide position 404. The histidine at codon 135 is replaced by proline, an amino acid with similar properties. This amino acid position is highly conserved in available vertebrate species. In addition, this alteration is predicted to be deleterious by in silico analysis. Based on the available evidence, the clinical significance of this variant remains unclear.

Labcorp Genetics (formerly Invitae), Labcorp
Classification: Uncertain significance. Last evaluated: 2017-05-13. Review status: criteria provided, single submitter. Criteria: Invitae Variant Classification Sherloc (09022015). Collection method: clinical testing. Allele origin: germline.
Comment: This sequence change replaces histidine with proline at codon 135 of the FH protein (p.His135Pro). The histidine residue is highly conserved and there is a moderate physicochemical difference between histidine and proline. In summary, this variant is a novel missense change with uncertain impact on protein function. It has been classified as a Variant of Uncertain Significance. Algorithms developed to predict the effect of missense changes on protein structure and function (SIFT, PolyPhen-2, Align-GVGD) all suggest that this variant is likely to be disruptive, but these predictions have not been confirmed by published functional studies. This variant is not present in population databases (ExAC no frequency) and has not been reported in the literature in individuals with a FH-related disease.